The following is an entry in ClinVar:

ClinVar aggregate classification (germline): Uncertain significance. Review status: criteria provided, multiple submitters, no conflicts (2 of 4 stars). 2 submissions from 2 submitters: Uncertain significance (2). Last evaluated 2025-12-08.

Allele frequency attached by ClinVar (database versions not stated): gnomAD 0.00004; ExAC 0.00004.
gnomAD v4.1: 32 of 1,609,518 alleles (0.002%); highest among the groups gnomAD compares: African/African-American, 0.013%; no homozygotes.

Submissions (2):

Ambry Genetics
Classification: Uncertain significance. Last evaluated: 2025-12-08. Review status: criteria provided, single submitter. Criteria: Ambry Variant Classification Scheme 2023. Collection method: clinical testing. Allele origin: germline.

Labcorp Genetics (formerly Invitae), Labcorp
Classification: Uncertain significance. Last evaluated: 2025-06-12. Review status: criteria provided, single submitter. Criteria: Invitae Variant Classification Sherloc (09022015). Collection method: clinical testing. Allele origin: germline.
Comment: This sequence change replaces proline, which is neutral and non-polar, with leucine, which is neutral and non-polar, at codon 846 of the TNS2 protein (p.Pro846Leu). The frequency data for this variant in the population databases is considered unreliable, as metrics indicate poor data quality at this position in the gnomAD database. This variant has not been reported in the literature in individuals affected with TNS2-related conditions. ClinVar contains an entry for this variant (Variation ID: 1971527). An algorithm developed to predict the effect of missense changes on protein structure and function (PolyPhen-2) suggests that this variant is likely to be tolerated. In summary, the available evidence is currently insufficient to determine the role of this variant in disease. Therefore, it has been classified as a Variant of Uncertain Significance.

NM_170754.4(TNS2):c.2507C>T (p.Pro836Leu)

Gene: TNS2 (tensin 2; plus strand). Cytogenetic location: 12q13.13.
Variant type: single nucleotide variant.
Coding change: c.2507C>T on transcript NM_170754.4 (MANE Select); coding-DNA position 2507, C replaced by T.
Protein change: p.Pro836Leu; replaces proline 836 with leucine.
Molecular consequence: missense variant.
Genome position (GRCh38, 1-based): chr12:53,060,148, C>T. VCF-style: chr12-53060148-C-T. GRCh37 (hg19) VCF-style: chr12-53453932-C-T.
Other names: c.2507C>T, p.Pro836Leu (NM_001416202.1); c.2465C>T, p.Pro822Leu (NM_001416203.1); c.2534C>T, p.Pro845Leu (NM_001416204.1); c.2438C>T, p.Pro813Leu (NM_015319.3); c.2135C>T, p.Pro712Leu (NM_198316.2); short protein forms P712L, P836L, P846L, P813L, P822L, P845L.
Identifiers: ClinVar variation 1971527 (VCV001971527.6), dbSNP rs761499158, ClinGen allele CA6592611.
Genomic context (GRCh38, chr12:53,060,148, plus strand): 5'-GAGGGTATCCCAGCCCTGGTGCCCACTCCCCACGGGCTGGCTCCATTTCCCCGGGCAGCC[C>T]GCCCTATCCACAATCTAGGAAGCTGAGCTACGAGATCCCTACGGAGGAGGGAGGGGACAG-3'
Protein context (NP_736610.2, residues 826-846): PRAGSISPGS[Pro836Leu]PYPQSRKLSY